The following is an entry in ClinVar:

ClinVar aggregate classification (germline): Uncertain significance (1 of 4 stars; one submission).

Submission:

Labcorp Genetics (formerly Invitae), Labcorp
Classification: Uncertain significance. Last evaluated: 2025-03-31. Review status: criteria provided, single submitter. Criteria: Invitae Variant Classification Sherloc (09022015). Collection method: clinical testing. Allele origin: germline.
Comment: This sequence change replaces proline, which is neutral and non-polar, with leucine, which is neutral and non-polar, at codon 36 of the CACNA2D4 protein (p.Pro36Leu). This variant is not present in population databases (gnomAD no frequency). This variant has not been reported in the literature in individuals affected with CACNA2D4-related conditions. An algorithm developed to predict the effect of missense changes on protein structure and function outputs the following: PolyPhen-2: "Benign". The leucine amino acid residue is found in multiple mammalian species, which suggests that this missense change does not adversely affect protein function. In summary, the available evidence is currently insufficient to determine the role of this variant in disease. Therefore, it has been classified as a Variant of Uncertain Significance.

NM_172364.5(CACNA2D4):c.107C>T (p.Pro36Leu)

Gene: CACNA2D4 (calcium voltage-gated channel auxiliary subunit alpha2delta 4; minus strand). Cytogenetic location: 12p13.33.
Variant type: single nucleotide variant.
Coding change: c.107C>T on transcript NM_172364.5 (MANE Select); coding-DNA position 107, C replaced by T.
Protein change: p.Pro36Leu; replaces proline 36 with leucine.
Molecular consequence: missense variant.
Genome position (GRCh38, 1-based): chr12:1,918,367, G>A on the plus strand (C>T on the coding strand, the complement: CACNA2D4 is on the minus strand). VCF-style: chr12-1918367-G-A. GRCh37 (hg19) VCF-style: chr12-2027533-G-A.
Other names: short protein forms P36L.
Identifiers: ClinVar variation 4714604 (VCV004714604.1).